The following is an entry in ClinVar:

NM_001017975.6(HFM1):c.802+1G>A

Gene: HFM1 (helicase for meiosis 1; minus strand). Cytogenetic location: 1p22.2.
Variant type: single nucleotide variant.
Coding change: c.802+1G>A on transcript NM_001017975.6 (MANE Select); the canonical splice donor site of the intron after coding-DNA position 802, G replaced by A.
Molecular consequence: splice donor variant.
Genome position (GRCh38, 1-based): chr1:91,385,186, C>T on the plus strand (G>A on the coding strand, the complement: HFM1 is on the minus strand). VCF-style: chr1-91385186-C-T. GRCh37 (hg19) VCF-style: chr1-91850743-C-T.
Identifiers: ClinVar variation 4881765 (VCV004881765.2).

ClinVar aggregate classification (germline): Uncertain significance (1 of 4 stars; one submission).

gnomAD v4.1: 4 of 1,524,962 alleles (0.00026%); highest among the groups gnomAD compares: Non-Finnish European, 0.00027%; no homozygotes.

Submission:

Dasa
Classification: Uncertain significance. Last evaluated: 2025-08-12. Review status: criteria provided, single submitter. Criteria: DASA Assertion Criteria. Collection method: clinical testing. Allele origin: germline.
Comment: NM_001017975.6(HFM1):c.802+1G>A affects a canonical splice site and is predicted to disrupt normal RNA splicing. This variant is rare in population databases. The currently available literature and clinical evidence are not sufficient to establish a definitive association between this variant and the reported condition. Therefore, this variant is classified as a variant of uncertain significance.